The following is an entry in ClinVar:

ClinVar aggregate classification (germline): Uncertain significance (1 of 4 stars; one submission).

Submission:

Labcorp Genetics (formerly Invitae), Labcorp
Classification: Uncertain significance. Last evaluated: 2023-09-10. Review status: criteria provided, single submitter. Criteria: Invitae Variant Classification Sherloc (09022015). Collection method: clinical testing. Allele origin: germline.
Comment: In summary, the available evidence is currently insufficient to determine the role of this variant in disease. Therefore, it has been classified as a Variant of Uncertain Significance. This variant has not been reported in the literature in individuals affected with KRT6A-related conditions. This variant is not present in population databases (gnomAD no frequency). Algorithms developed to predict the effect of missense changes on protein structure and function output the following: SIFT: "Not Available"; PolyPhen-2: "Not Available"; Align-GVGD: "Not Available". The phenylalanine amino acid residue is found in multiple mammalian species, which suggests that this missense change does not adversely affect protein function. This sequence change replaces isoleucine, which is neutral and non-polar, with phenylalanine, which is neutral and non-polar, at codon 535 of the KRT6A protein (p.Ile535Phe).

NM_005554.4(KRT6A):c.1603A>T (p.Ile535Phe)

Gene: KRT6A (keratin 6A; minus strand). Cytogenetic location: 12q13.13.
Variant type: single nucleotide variant.
Coding change: c.1603A>T on transcript NM_005554.4 (MANE Select); coding-DNA position 1603, A replaced by T.
Protein change: p.Ile535Phe; replaces isoleucine 535 with phenylalanine.
Molecular consequence: missense variant.
Genome position (GRCh38, 1-based): chr12:52,487,812, T>A on the plus strand (A>T on the coding strand, the complement: KRT6A is on the minus strand). VCF-style: chr12-52487812-T-A. GRCh37 (hg19) VCF-style: chr12-52881596-T-A.
Other names: short protein forms I535F.
Identifiers: ClinVar variation 2871078 (VCV002871078.3), dbSNP rs2498485265, ClinGen allele CA384952384.